The following is an entry in ClinVar:

ClinVar aggregate classification (germline): Pathogenic (1 of 4 stars; one submission).

Submission:

Labcorp Genetics (formerly Invitae), Labcorp
Classification: Pathogenic. Last evaluated: 2025-07-15. Review status: criteria provided, single submitter. Criteria: Invitae Variant Classification Sherloc (09022015). Collection method: clinical testing. Allele origin: germline.
Comment: This sequence change creates a premature translational stop signal (p.Leu1191Glyfs*20) in the SPTB gene. It is expected to result in an absent or disrupted protein product. Loss-of-function variants in SPTB are known to be pathogenic (PMID: 1391962, 1498324, 8844207, 26830532, 27292444). This variant is not present in population databases (gnomAD no frequency). This variant has not been reported in the literature in individuals affected with SPTB-related conditions. For these reasons, this variant has been classified as Pathogenic.

Literature cited by the submitters: PubMed 1391962; PubMed 1498324; PubMed 8844207; PubMed 26830532; PubMed 27292444.

NM_001355436.2(SPTB):c.3571_3572del (p.Leu1191fs)

Gene: SPTB (spectrin beta, erythrocytic; minus strand). Cytogenetic location: 14q23.3.
Variant type: Microsatellite.
Coding change: c.3571_3572del on transcript NM_001355436.2 (MANE Select); coding-DNA positions 3571 to 3572, 2 bases deleted (CT; older notation c.3571_3572delCT).
Protein change: p.Leu1191fs; shifts the reading frame from leucine 1191.
Molecular consequence: frameshift variant.
Genome position (GRCh38, 1-based): chr14:64,785,941-64,785,942, AG deleted on the plus strand (CT on the coding strand, the reverse complement: SPTB is on the minus strand); deleting any 2 consecutive bases within chr14:64,785,941-64,785,944 gives the same sequence; the c. name uses the placement nearest the transcript's 3' end. VCF-style (leftmost placement, unchanged base first): chr14-64785940-CAG-C. GRCh37 (hg19) VCF-style: chr14-65252658-CAG-C.
Other names: c.3571_3572del, p.Leu1191fs (NM_001024858.4, NM_001355437.2); short protein forms L1191fs.
Identifiers: ClinVar variation 4723292 (VCV004723292.1).